The following is an entry in ClinVar:

NM_001429.4(EP300):c.965G>A (p.Gly322Glu)

Gene: EP300 (EP300 lysine acetyltransferase; plus strand). Cytogenetic location: 22q13.2.
Variant type: single nucleotide variant.
Coding change: c.965G>A on transcript NM_001429.4 (MANE Select); coding-DNA position 965, G replaced by A.
Protein change: p.Gly322Glu; replaces glycine 322 with glutamic acid.
Molecular consequence: missense variant.
Genome position (GRCh38, 1-based): chr22:41,127,545, G>A. VCF-style: chr22-41127545-G-A. GRCh37 (hg19) VCF-style: chr22-41523549-G-A.
Other names: c.965G>A, p.Gly322Glu (NM_001362843.2); c.965G>A (NM_001429.3); short protein forms G322E.
Identifiers: ClinVar variation 3611512 (VCV003611512.3).

ClinVar aggregate classification (germline): Uncertain significance. Review status: criteria provided, multiple submitters, no conflicts (2 of 4 stars). 2 submissions from 2 submitters: Uncertain significance (2). Last evaluated 2026-08-02.

Conditions:
EP300-related disorder. Also called: EP300-related disorders; EP300-related condition.
Rubinstein-Taybi syndrome due to EP300 haploinsufficiency. Also called: EP300-Related Rubinstein-Taybi Syndrome; RUBINSTEIN-TAYBI SYNDROME 2. Identifiers: Orphanet 353284, Orphanet 783, MedGen C3150941, MONDO:0013364, OMIM 613684.

gnomAD v4.1: 1 of 1,614,086 alleles (0.000062%); highest among the groups gnomAD compares: Admixed American, 0.0017%; no homozygotes.

Submissions (2):

PreventionGenetics, part of Exact Sciences
Classification: Uncertain significance for EP300-related condition. Last evaluated: 2026-08-02. Review status: criteria provided, single submitter. Criteria: ACMG Guidelines, 2015. Collection method: clinical testing. Allele origin: germline.
Comment: The EP300 c.965G>A variant is predicted to result in the amino acid substitution p.Gly322Glu. To our knowledge, this variant has not been reported in the literature or in a large population database (gnomAD), indicating this variant is rare. At this time, the clinical significance of this variant is uncertain due to the absence of conclusive functional and genetic evidence.

Labcorp Genetics (formerly Invitae), Labcorp
Classification: Uncertain significance for Rubinstein-Taybi syndrome due to EP300 haploinsufficiency. Last evaluated: 2024-02-01. Review status: criteria provided, single submitter. Criteria: Invitae Variant Classification Sherloc (09022015). Collection method: clinical testing. Allele origin: germline.
Comment: This sequence change replaces glycine, which is neutral and non-polar, with glutamic acid, which is acidic and polar, at codon 322 of the EP300 protein (p.Gly322Glu). This variant is not present in population databases (gnomAD no frequency). This variant has not been reported in the literature in individuals affected with EP300-related conditions. Advanced modeling of protein sequence and biophysical properties (such as structural, functional, and spatial information, amino acid conservation, physicochemical variation, residue mobility, and thermodynamic stability) performed at Invitae indicates that this missense variant is not expected to disrupt EP300 protein function with a negative predictive value of 80%. In summary, the available evidence is currently insufficient to determine the role of this variant in disease. Therefore, it has been classified as a Variant of Uncertain Significance.